The following is an entry in ClinVar:

NM_032119.4(ADGRV1):c.3323C>T (p.Thr1108Ile)

Gene: ADGRV1 (adhesion G protein-coupled receptor V1; plus strand). Cytogenetic location: 5q14.3.
Variant type: single nucleotide variant.
Coding change: c.3323C>T on transcript NM_032119.4 (MANE Select); coding-DNA position 3323, C replaced by T.
Protein change: p.Thr1108Ile; replaces threonine 1108 with isoleucine.
Molecular consequence: missense variant. On other transcripts: non-coding transcript variant (1).
Genome position (GRCh38, 1-based): chr5:90,651,637, C>T. VCF-style: chr5-90651637-C-T. GRCh37 (hg19) VCF-style: chr5-89947454-C-T.
Other names: short protein forms T1108I.
Identifiers: ClinVar variation 1353773 (VCV001353773.3), dbSNP rs773942000, ClinGen allele CA3339160.
Genomic context (GRCh38, chr5:90,651,637, plus strand): 5'-ATTTTGTCTTTTCCACTTTTAATTTAGGTGATACAGTAGTATATCAATATGGAGTAGCTA[C>T]AGTAATAATTGAAGCTAATGATGACCCAAATGGCATTTTTTCTCTGGAGCCCATAGACAA-3'
Protein context (NP_115495.3, residues 1098-1118): DTVVYQYGVA[Thr1108Ile]VIIEANDDPN

ClinVar aggregate classification (germline): Uncertain significance (1 of 4 stars; one submission).

Allele frequency attached by ClinVar (database versions not stated): gnomAD exomes below 0.00001 and 0.00001; ExAC 0.00002.
gnomAD v4.1: 1 of 1,607,860 alleles (0.000062%); highest among the groups gnomAD compares: Middle Eastern, 0.017%; no homozygotes.

Submission:

Labcorp Genetics (formerly Invitae), Labcorp
Classification: Uncertain significance. Last evaluated: 2022-05-27. Review status: criteria provided, single submitter. Criteria: Invitae Variant Classification Sherloc (09022015). Collection method: clinical testing. Allele origin: germline.
Comment: This sequence change replaces threonine, which is neutral and polar, with isoleucine, which is neutral and non-polar, at codon 1108 of the ADGRV1 protein (p.Thr1108Ile). This variant is present in population databases (rs773942000, gnomAD 0.002%). This variant has not been reported in the literature in individuals affected with ADGRV1-related conditions. Algorithms developed to predict the effect of missense changes on protein structure and function are either unavailable or do not agree on the potential impact of this missense change (SIFT: "Deleterious"; PolyPhen-2: "Possibly Damaging"; Align-GVGD: "Class C0"). In summary, the available evidence is currently insufficient to determine the role of this variant in disease. Therefore, it has been classified as a Variant of Uncertain Significance.